The following is an entry in ClinVar:

ClinVar aggregate classification (germline): Uncertain significance. Review status: criteria provided, multiple submitters, no conflicts (2 of 4 stars). 3 submissions from 3 submitters: Uncertain significance (2). 1 of the submissions does not count toward it. Last evaluated 2024-04-11.

Conditions:
Inborn genetic diseases. Identifiers: MedGen C0950123, MeSH D030342.
Arthrogryposis, renal dysfunction, and cholestasis 2 (ARCS2). Identifiers: Orphanet 2697, MedGen C3150672, MONDO:0013255, OMIM 613404.
VIPAS39-related disorder. Also called: VIPAS39-related condition.

Allele frequency attached by ClinVar (database versions not stated): gnomAD exomes 0.00001; ExAC 0.00002; gnomAD 0.00005; TOPMed 0.00009.
gnomAD v4.1: 24 of 1,608,566 alleles (0.0015%); highest among the groups gnomAD compares: African/African-American, 0.022%; no homozygotes.

Submissions (3):

Fulgent Genetics
Classification: Uncertain significance for Arthrogryposis, renal dysfunction, and cholestasis 2. Last evaluated: 2024-04-11. Review status: criteria provided, single submitter. Criteria: ACMG Guidelines, 2015. Collection method: clinical testing. Allele origin: germline.

Ambry Genetics
Classification: Uncertain significance for Inborn genetic diseases. Last evaluated: 2024-01-09. Review status: criteria provided, single submitter. Criteria: Ambry Variant Classification Scheme 2023. Collection method: clinical testing. Allele origin: germline.

PreventionGenetics, part of Exact Sciences
Classification: Uncertain significance for VIPAS39-related condition. Last evaluated: 2024-03-27. Review status: no assertion criteria provided. Collection method: clinical testing. Allele origin: germline. Not counted in ClinVar's aggregate classification.
Comment: The VIPAS39 c.940G>A variant is predicted to result in the amino acid substitution p.Gly314Arg. To our knowledge, this variant has not been reported in the literature. This variant is reported in 0.016% of alleles in individuals of African descent in gnomAD. At this time, the clinical significance of this variant is uncertain due to the absence of conclusive functional and genetic evidence.

NM_001193315.2(VIPAS39):c.940G>A (p.Gly314Arg)

Gene: VIPAS39 (VPS33B interacting protein, apical-basolateral polarity regulator, spe-39 homolog; minus strand). Cytogenetic location: 14q24.3.
Variant type: single nucleotide variant.
Coding change: c.940G>A on transcript NM_001193315.2 (MANE Select); coding-DNA position 940, G replaced by A.
Protein change: p.Gly314Arg; replaces glycine 314 with arginine.
Molecular consequence: missense variant. On other transcripts: non-coding transcript variant (1), intron variant (2).
Genome position (GRCh38, 1-based): chr14:77,435,366, C>T on the plus strand (G>A on the coding strand, the complement: VIPAS39 is on the minus strand). VCF-style: chr14-77435366-C-T. GRCh37 (hg19) VCF-style: chr14-77901709-C-T.
Other names: c.940G>A, p.Gly314Arg (NM_001193314.2, NM_001193317.2, NM_001400326.1 and 5 more transcripts); c.793G>A, p.Gly265Arg (NM_001193316.2, NM_001400324.1, NM_001400325.1); c.907G>A, p.Gly303Arg (NM_001400327.1); c.847G>A, p.Gly283Arg (NM_001400333.1, NM_001400334.1); c.700G>A, p.Gly234Arg (NM_001400337.1); c.838G>A, p.Gly280Arg (NM_001400338.1); c.763-1063G>A (NM_001400339.1); c.912+478G>A (NM_001400336.1); and 1 more; short protein forms G265R, G234R, G314R, G280R, G283R, G303R.
Identifiers: ClinVar variation 3188576 (VCV003188576.3), dbSNP rs757963657, ClinGen allele CA7287879.